The following is an entry in ClinVar:

NM_003737.4(DCHS1):c.7756G>A (p.Val2586Met)

Gene: DCHS1 (dachsous cadherin-related 1; minus strand). Cytogenetic location: 11p15.4.
Variant type: single nucleotide variant.
Coding change: c.7756G>A on transcript NM_003737.4 (MANE Select); coding-DNA position 7756, G replaced by A.
Protein change: p.Val2586Met; replaces valine 2586 with methionine.
Molecular consequence: missense variant.
Genome position (GRCh38, 1-based): chr11:6,623,920, C>T on the plus strand (G>A on the coding strand, the complement: DCHS1 is on the minus strand). VCF-style: chr11-6623920-C-T. GRCh37 (hg19) VCF-style: chr11-6645151-C-T.
Other names: c.7756G>A (NM_003737.3, NM_003737.2); short protein forms V2586M.
Identifiers: ClinVar variation 2723353 (VCV002723353.5), dbSNP rs747141130, ClinGen allele CA5859547.
Genomic context (GRCh38, chr11:6,623,920, plus strand): 5'-ATGCTCGGGTAAAGACAGGTGGGTTGTCATTGACATCTAGTACAGTGACAGTGACTGGCA[C>T]GACTGAGCTTTGGGGTGGCTGCCCACGGTCAGCTGCAGCCACTGTTAGATTGTACTGTGT-3'
Protein context (NP_003728.1, residues 2576-2596): DRGQPPQSSV[Val2586Met]PVTVTVLDVN

ClinVar aggregate classification (germline): Uncertain significance. Review status: criteria provided, multiple submitters, no conflicts (2 of 4 stars). 3 submissions from 3 submitters: Uncertain significance (2). 1 of the submissions does not count toward it. Last evaluated 2024-04-17.

Conditions:
DCHS1-related disorder. Also called: DCHS1-related condition.
Inborn genetic diseases. Identifiers: MedGen C0950123, MeSH D030342.

Allele frequency attached by ClinVar (database versions not stated): gnomAD exomes 0.00001; gnomAD 0.00002; ExAC 0.00003; TOPMed 0.00003.
gnomAD v4.1: 17 of 1,607,916 alleles (0.0011%); highest among the groups gnomAD compares: East Asian, 0.011%; no homozygotes.

Submissions (3):

Ambry Genetics
Classification: Uncertain significance for Inborn genetic diseases. Last evaluated: 2024-04-17. Review status: criteria provided, single submitter. Criteria: Ambry Variant Classification Scheme 2023. Collection method: clinical testing. Allele origin: germline.

Labcorp Genetics (formerly Invitae), Labcorp
Classification: Uncertain significance. Last evaluated: 2023-11-28. Review status: criteria provided, single submitter. Criteria: Invitae Variant Classification Sherloc (09022015). Collection method: clinical testing. Allele origin: germline.
Comment: This sequence change replaces valine, which is neutral and non-polar, with methionine, which is neutral and non-polar, at codon 2586 of the DCHS1 protein (p.Val2586Met). The frequency data for this variant in the population databases is considered unreliable, as metrics indicate poor data quality at this position in the gnomAD database. This variant has not been reported in the literature in individuals affected with DCHS1-related conditions. Advanced modeling of protein sequence and biophysical properties (such as structural, functional, and spatial information, amino acid conservation, physicochemical variation, residue mobility, and thermodynamic stability) has been performed at Invitae for this missense variant, however the output from this modeling did not meet the statistical confidence thresholds required to predict the impact of this variant on DCHS1 protein function. In summary, the available evidence is currently insufficient to determine the role of this variant in disease. Therefore, it has been classified as a Variant of Uncertain Significance.

PreventionGenetics, part of Exact Sciences
Classification: Uncertain significance for DCHS1-related condition. Last evaluated: 2024-06-27. Review status: no assertion criteria provided. Collection method: clinical testing. Allele origin: germline. Not counted in ClinVar's aggregate classification.
Comment: The DCHS1 c.7756G>A variant is predicted to result in the amino acid substitution p.Val2586Met. To our knowledge, this variant has not been reported in the literature. This variant is reported in 0.020% of alleles in individuals of East Asian descent in gnomAD. At this time, the clinical significance of this variant is uncertain due to the absence of conclusive functional and genetic evidence.